The following is an entry in ClinVar:

ClinVar aggregate classification (germline): Uncertain significance (1 of 4 stars; one submission).

Conditions:
Hereditary cancer-predisposing syndrome. Also called: Neoplastic Syndromes, Hereditary; Tumor predisposition; Hereditary Cancer Syndrome; Hereditary neoplastic syndrome. Identifiers: Orphanet 140162, MedGen C0027672, MeSH D009386, MONDO:0015356.

Submission:

Ambry Genetics
Classification: Uncertain significance for Hereditary cancer-predisposing syndrome. Last evaluated: 2026-03-24. Review status: criteria provided, single submitter. Criteria: Ambry Variant Classification Scheme 2023. Collection method: clinical testing. Allele origin: germline.
Comment: The c.308-11T>G intronic variant results from a T to G substitution 11 nucleotides upstream from coding exon 3 in the DICER1 gene. This variant was reported in individual(s) with features consistent with DICER1-related tumor predisposition (Ambry internal data). This nucleotide position is highly conserved in available vertebrate species. In silico splice site analysis predicts that this alteration will weaken the native splice acceptor site. Based on the available evidence, the clinical significance of this variant remains unclear.

NM_177438.3(DICER1):c.308-11T>G

Gene: DICER1 (dicer 1, ribonuclease III; minus strand). Cytogenetic location: 14q32.13.
Variant type: single nucleotide variant.
Coding change: c.308-11T>G on transcript NM_177438.3 (MANE Select); 11 bases into the intron before coding-DNA position 308, T replaced by G.
Molecular consequence: intron variant.
Genome position (GRCh38, 1-based): chr14:95,131,650, A>C on the plus strand (T>G on the coding strand, the complement: DICER1 is on the minus strand). VCF-style: chr14-95131650-A-C. GRCh37 (hg19) VCF-style: chr14-95597987-A-C.
Other names: c.308-11T>G (NM_001291628.2, NM_030621.4, NM_001395677.1 and 14 more transcripts); c.33+865T>G (NM_001395690.1, NM_001395687.1, NM_001395689.1 and 3 more transcripts); c.34-19T>G (NM_001395686.1); c.-151-11T>G (NM_001395691.1); c.-1261-11T>G (NM_001395697.1).
Identifiers: ClinVar variation 4869742 (VCV004869742.1).